The following is an entry in ClinVar:

NM_000098.3(CPT2):c.799T>C (p.Ser267Pro)

Gene: CPT2 (carnitine palmitoyltransferase 2; plus strand). Cytogenetic location: 1p32.3.
Variant type: single nucleotide variant.
Coding change: c.799T>C on transcript NM_000098.3 (MANE Select); coding-DNA position 799, T replaced by C.
Protein change: p.Ser267Pro; replaces serine 267 with proline.
Molecular consequence: missense variant.
Genome position (GRCh38, 1-based): chr1:53,210,473, T>C. VCF-style: chr1-53210473-T-C. GRCh37 (hg19) VCF-style: chr1-53676145-T-C.
Other names: c.799T>C, p.Ser267Pro (NM_001330589.2); short protein forms S267P.
Identifiers: ClinVar variation 856543 (VCV000856543.7), dbSNP rs1645415950, ClinGen allele CA340393754.
Genomic context (GRCh38, chr1:53,210,473, plus strand): 5'-AGGAAAGGAAATTTTTATATCTTTGATGTCCTGGATCAAGATGGGAACATTGTGAGCCCC[T>C]CGGAAATCCAGGCACATCTGAAGTACATTCTCTCAGACAGCAGCCCCGCCCCCGAGTTTC-3'
Protein context (NP_000089.1, residues 257-277): LDQDGNIVSP[Ser267Pro]EIQAHLKYIL

ClinVar aggregate classification (germline): Uncertain significance (1 of 4 stars; one submission).

Conditions:
Carnitine palmitoyltransferase II deficiency. Also called: Carnitine Palmitoyltransferase 2 Deficiency. Identifiers: Orphanet 157, MedGen C0342790, MONDO:0015515.

Submission:

Labcorp Genetics (formerly Invitae), Labcorp
Classification: Uncertain significance for Carnitine palmitoyltransferase II deficiency. Last evaluated: 2022-02-24. Review status: criteria provided, single submitter. Criteria: Invitae Variant Classification Sherloc (09022015). Collection method: clinical testing. Allele origin: germline.
Comment: In summary, the available evidence is currently insufficient to determine the role of this variant in disease. Therefore, it has been classified as a Variant of Uncertain Significance. Advanced modeling of protein sequence and biophysical properties (such as structural, functional, and spatial information, amino acid conservation, physicochemical variation, residue mobility, and thermodynamic stability) performed at Invitae indicates that this missense variant is not expected to disrupt CPT2 protein function. ClinVar contains an entry for this variant (Variation ID: 856543). This variant has not been reported in the literature in individuals affected with CPT2-related conditions. This variant is not present in population databases (gnomAD no frequency). This sequence change replaces serine, which is neutral and polar, with proline, which is neutral and non-polar, at codon 267 of the CPT2 protein (p.Ser267Pro).